The following is an entry in ClinVar:

ClinVar aggregate classification (germline): Pathogenic/Likely pathogenic. Review status: criteria provided, multiple submitters, no conflicts (2 of 4 stars). 3 submissions from 3 submitters: Pathogenic (2); Likely pathogenic (1). Last evaluated 2025-08-29.

Conditions:
Adult hypophosphatasia. Identifiers: Orphanet 247676, Orphanet 436, MedGen C0268413, MONDO:1010154, OMIM 146300, MONDO:0007798.
Hypophosphatasia. Also called: Phosphoethanol-aminuria. Identifiers: Orphanet 436, MedGen C0020630, MeSH D007014, MONDO:0018570.

Submissions (3):

Genomenon, Inc
Classification: Pathogenic for Hypophosphatasia. Last evaluated: 2025-08-29. Review status: criteria provided, single submitter. Criteria: Genomenon Sequence Variant Interpretation Standards. Collection method: curation. Allele origin: germline. Affected: yes.
Comment: ALPL Val423Ala (c.1268T>C) is a missense variant that changes the amino acid at residue 423 from Valine to Alanine. This variant has been observed in at least one proband affected with hypophosphatasia (PMID:20089612;11438998;30655187). It has been observed in trans with a pathogenic variant (PMID:11438998). At least one functional study has demonstrated a substantial alteration in protein function relative to the wild-type (PMID:18422967;11438998). It is absent or not present at a significant frequency in gnomAD. In conclusion, we classify ALPL p.Val423Ala (c.1268T>C) as a pathogenic variant.

Baylor Genetics
Classification: Pathogenic for Adult hypophosphatasia. Last evaluated: 2023-10-24. Review status: criteria provided, single submitter. Criteria: ACMG Guidelines, 2015. Collection method: clinical testing. Allele origin: unknown.

Labcorp Genetics (formerly Invitae), Labcorp
Classification: Likely pathogenic. Last evaluated: 2021-10-04. Review status: criteria provided, single submitter. Criteria: Invitae Variant Classification Sherloc (09022015). Collection method: clinical testing. Allele origin: germline.
Comment: In summary, the currently available evidence indicates that the variant is pathogenic, but additional data are needed to prove that conclusively. Therefore, this variant has been classified as Likely Pathogenic. Experimental studies have shown that this missense change affects ALPL function (PMID: 11438998, 18422967). Algorithms developed to predict the effect of missense changes on protein structure and function are either unavailable or do not agree on the potential impact of this missense change (SIFT: "Not Available"; PolyPhen-2: "Possibly Damaging"; Align-GVGD: "Not Available"). This variant is also known as TNSALP 1268T>C V406A. This missense change has been observed in individual(s) with hypophosphatasia (PMID: 11438998, 20089612). In at least one individual the data is consistent with the variant being in trans (on the opposite chromosome) from a pathogenic variant. This variant is not present in population databases (ExAC no frequency). This sequence change replaces valine with alanine at codon 423 of the ALPL protein (p.Val423Ala). The valine residue is weakly conserved and there is a small physicochemical difference between valine and alanine.

Literature cited by the submitters: PubMed 20089612 (cited by Genomenon, Inc and Labcorp Genetics (formerly Invitae), Labcorp); PubMed 11438998 (cited by Genomenon, Inc and Labcorp Genetics (formerly Invitae), Labcorp); PubMed 30655187 (cited by Genomenon, Inc); PubMed 18422967 (cited by Genomenon, Inc and Labcorp Genetics (formerly Invitae), Labcorp).

NM_000478.6(ALPL):c.1268T>C (p.Val423Ala)

Gene: ALPL (alkaline phosphatase, biomineralization associated; plus strand). Cytogenetic location: 1p36.12.
Variant type: single nucleotide variant.
Coding change: c.1268T>C on transcript NM_000478.6 (MANE Select); coding-DNA position 1268, T replaced by C.
Protein change: p.Val423Ala; replaces valine 423 with alanine.
Molecular consequence: missense variant.
Genome position (GRCh38, 1-based): chr1:21,576,600, T>C. VCF-style: chr1-21576600-T-C. GRCh37 (hg19) VCF-style: chr1-21903093-T-C.
Other names: c.1103T>C, p.Val368Ala (NM_001127501.4); c.1037T>C, p.Val346Ala (NM_001177520.3); c.1268T>C, p.Val423Ala (NM_001369803.2, NM_001369804.2, NM_001369805.2); short protein forms V423A, V346A, V368A.
Identifiers: ClinVar variation 1498590 (VCV001498590.8), dbSNP rs2148192552, ClinGen allele CA338881824.